The following is an entry in ClinVar:

ClinVar aggregate classification (germline): Pathogenic (1 of 4 stars; one submission).

Conditions:
Hereditary cancer-predisposing syndrome. Also called: Tumor predisposition; Neoplastic Syndromes, Hereditary; Hereditary Cancer Syndrome; Hereditary neoplastic syndrome. Identifiers: Orphanet 140162, MedGen C0027672, MeSH D009386, MONDO:0015356.

Submission:

Labcorp Genetics (formerly Invitae), Labcorp
Classification: Pathogenic for Hereditary cancer-predisposing syndrome. Last evaluated: 2022-02-18. Review status: criteria provided, single submitter. Criteria: Invitae Variant Classification Sherloc (09022015). Collection method: clinical testing. Allele origin: germline.
Comment: For these reasons, this variant has been classified as Pathogenic. This variant has not been reported in the literature in individuals affected with RAD50-related conditions. This variant is not present in population databases (gnomAD no frequency). This sequence change creates a premature translational stop signal (p.Tyr308Ilefs*21) in the RAD50 gene. It is expected to result in an absent or disrupted protein product. Loss-of-function variants in RAD50 are known to be pathogenic (PMID: 19409520).

Literature cited by the submitters: PubMed 19409520.

NM_005732.4(RAD50):c.921dup (p.Tyr308fs)

Gene: RAD50 (RAD50 double strand break repair protein; plus strand). Cytogenetic location: 5q31.1.
Variant type: Duplication.
Coding change: c.921dup on transcript NM_005732.4 (MANE Select); coding-DNA position 921, one base duplicated (A; older notation c.921dupA).
Protein change: p.Tyr308fs; shifts the reading frame from tyrosine 308.
Molecular consequence: frameshift variant.
Genome position (GRCh38, 1-based): chr5:132,587,959, A duplicated. VCF-style (leftmost placement, unchanged base first): chr5-132587958-T-TA. GRCh37 (hg19) VCF-style: chr5-131923650-T-TA.
Other names: short protein forms Y308fs.
Identifiers: ClinVar variation 1451931 (VCV001451931.6), dbSNP rs2149840595, ClinGen allele CA2573138944.